The following is an entry in ClinVar:

NM_001291303.3(FAT4):c.1419T>C (p.Pro473=)

Gene: FAT4 (FAT atypical cadherin 4; plus strand). Cytogenetic location: 4q28.1.
Variant type: single nucleotide variant.
Coding change: c.1419T>C on transcript NM_001291303.3 (MANE Select); coding-DNA position 1419, T replaced by C.
Protein change: p.Pro473=; no amino-acid change (proline 473 retained).
Molecular consequence: synonymous variant.
Genome position (GRCh38, 1-based): chr4:125,317,830, T>C. VCF-style: chr4-125317830-T-C. GRCh37 (hg19) VCF-style: chr4-126238985-T-C.
Other names: c.1419T>C, p.Pro473= (NM_001291285.3, NM_024582.6).
Identifiers: ClinVar variation 1145053 (VCV001145053.32), dbSNP rs199637020, ClinGen allele CA3071986.

ClinVar aggregate classification (germline): Likely benign. Review status: criteria provided, multiple submitters, no conflicts (2 of 4 stars). 3 submissions from 3 submitters: Likely benign (3). Last evaluated 2026-02-01.

Allele frequency attached by ClinVar (database versions not stated): TOPMed 0.00013; ESP Exome Variant Server 0.00023; gnomAD exomes 0.00023 and 0.00016; gnomAD 0.00034 and 0.00033; 1000 Genomes Project 0.00040; 1000 Genomes Project 30x 0.00031; ExAC 0.00020.
gnomAD v4.1: 279 of 1,614,202 alleles (0.017%); highest among the groups gnomAD compares: Non-Finnish European, 0.017%; no homozygotes.

Submissions (3):

CeGaT Center for Human Genetics Tuebingen
Classification: Likely benign. Last evaluated: 2026-02-01. Review status: criteria provided, single submitter. Criteria: CeGaT Center For Human Genetics Tuebingen Variant Classification Criteria Version 2. Collection method: clinical testing. Allele origin: germline. Affected: yes. Observed: 6 variant alleles.
Comment: FAT4: BP4, BP7

Labcorp Genetics (formerly Invitae), Labcorp
Classification: Likely benign. Last evaluated: 2026-01-14. Review status: criteria provided, single submitter. Criteria: Invitae Variant Classification Sherloc (09022015). Collection method: clinical testing. Allele origin: germline.

Blueprint Genetics
Classification: Likely benign. Last evaluated: 2024-11-18. Review status: criteria provided, single submitter. Criteria: ACMG Guidelines, 2015. Collection method: clinical testing. Allele origin: germline.